The following is an entry in ClinVar:

ClinVar aggregate classification (germline): Uncertain significance (1 of 4 stars; one submission).

Submission:

Labcorp Genetics (formerly Invitae), Labcorp
Classification: Uncertain significance. Last evaluated: 2023-07-18. Review status: criteria provided, single submitter. Criteria: Invitae Variant Classification Sherloc (09022015). Collection method: clinical testing. Allele origin: germline.
Comment: This variant has not been reported in the literature in individuals affected with NLRP1-related conditions. This variant is not present in population databases (gnomAD no frequency). This sequence change creates a premature translational stop signal (p.Trp6Profs*14) in the NLRP1 gene. It is expected to result in an absent or disrupted protein product. However, the current clinical and genetic evidence is not sufficient to establish whether loss-of-function variants in NLRP1 cause disease. In summary, the available evidence is currently insufficient to determine the role of this variant in disease. Therefore, it has been classified as a Variant of Uncertain Significance.

NM_033004.4(NLRP1):c.15_16insCCGGAGCC (p.Trp6fs)

Genes: NLRP1 (NLR family pyrin domain containing 1; minus strand), LOC126862475 (CDK7 strongly-dependent group 2 enhancer GRCh37_chr17:5487167-5488366; plus strand). Cytogenetic location: 17p13.2.
Variant type: Insertion.
Coding change: c.15_16insCCGGAGCC on transcript NM_033004.4 (MANE Select); coding-DNA positions 15 to 16, CCGGAGCC inserted.
Protein change: p.Trp6fs; shifts the reading frame from tryptophan 6.
Molecular consequence: frameshift variant.
Genome position: GRCh38 VCF-style: chr17-5583942-A-AGGCTCCGG. GRCh37 (hg19) VCF-style: chr17-5487262-A-AGGCTCCGG.
Other names: c.15_16insCCGGAGCC, p.Trp6fs (NM_001033053.3, NM_014922.5, NM_033006.4 and 1 more transcripts); short protein forms W6fs.
Identifiers: ClinVar variation 2741117 (VCV002741117.3), dbSNP rs2508145689, ClinGen allele CA2697556144.